The following is an entry in ClinVar:

NM_012233.3(RAB3GAP1):c.1039C>T (p.Arg347Ter)

Gene: RAB3GAP1 (RAB3 GTPase activating protein catalytic subunit 1; plus strand). Cytogenetic location: 2q21.3.
Variant type: single nucleotide variant.
Coding change: c.1039C>T on transcript NM_012233.3 (MANE Select); coding-DNA position 1039, C replaced by T.
Protein change: p.Arg347Ter; replaces arginine 347 with a stop codon.
Molecular consequence: nonsense.
Genome position (GRCh38, 1-based): chr2:135,130,060, C>T. VCF-style: chr2-135130060-C-T. GRCh37 (hg19) VCF-style: chr2-135887630-C-T.
Other names: c.1039C>T, p.Arg347Ter (NM_001172435.2); short protein forms R347*.
Identifiers: ClinVar variation 545410 (VCV000545410.14), dbSNP rs532964185, ClinGen allele CA1884736.

ClinVar aggregate classification (germline): Pathogenic. Review status: criteria provided, multiple submitters, no conflicts (2 of 4 stars). 6 submissions from 6 submitters: Pathogenic (5). 1 of the submissions does not count toward it. Last evaluated 2025-03-28.

Conditions:
Warburg micro syndrome 1 (WARBM1). Identifiers: Orphanet 2510, MedGen C1838625, MONDO:0010822, OMIM 600118.
Martsolf syndrome 2. Identifiers: MedGen C5543626, MONDO:0030376, OMIM 619420.
Inborn genetic diseases. Identifiers: MedGen C0950123, MeSH D030342.

Allele frequency attached by ClinVar (database versions not stated): TOPMed below 0.00001; gnomAD exomes 0.00002 and 0.00003; ExAC 0.00003; 1000 Genomes Project 0.00020; gnomAD 0.00001; 1000 Genomes Project 30x 0.00031.
gnomAD v4.1: 33 of 1,612,304 alleles (0.002%); highest among the groups gnomAD compares: East Asian, 0.0022%; no homozygotes.

Submissions (6):

Ambry Genetics
Classification: Pathogenic for Inborn genetic diseases. Last evaluated: 2025-03-28. Review status: criteria provided, single submitter. Criteria: Ambry Variant Classification Scheme 2023. Collection method: clinical testing. Allele origin: germline.
Comment: The c.1039C>T (p.R347*) alteration, located in exon 12 (coding exon 12) of the RAB3GAP1 gene, consists of a C to T substitution at nucleotide position 1039. This changes the amino acid from an arginine (R) to a stop codon at amino acid position 347. This alteration is expected to result in loss of function by premature protein truncation or nonsense-mediated mRNA decay. Based on data from gnomAD, this allele has an overall frequency of 0.003% (9/282474) total alleles studied. The highest observed frequency was 0.016% (4/25068) of European (Finnish) alleles. This variant has been identified in the homozygous state and in conjunction with other RAB3GAP1 variants in individuals with features consistent with RAB3GAP1-related Warburg micro syndrome (Abdel-Hamid, 2020; Handley, 2013). Based on the available evidence, this alteration is classified as pathogenic.

Labcorp Genetics (formerly Invitae), Labcorp
Classification: Pathogenic. Last evaluated: 2023-12-01. Review status: criteria provided, single submitter. Criteria: Invitae Variant Classification Sherloc (09022015). Collection method: clinical testing. Allele origin: germline.
Comment: This sequence change creates a premature translational stop signal (p.Arg347*) in the RAB3GAP1 gene. It is expected to result in an absent or disrupted protein product. Loss-of-function variants in RAB3GAP1 are known to be pathogenic (PMID: 23420520). This variant is present in population databases (rs532964185, gnomAD 0.01%). This premature translational stop signal has been observed in individual(s) with clinical features of Warburg Micro syndrome (PMID: 23420520). ClinVar contains an entry for this variant (Variation ID: 545410). For these reasons, this variant has been classified as Pathogenic.

GeneDx
Classification: Pathogenic. Last evaluated: 2022-09-16. Review status: criteria provided, single submitter. Criteria: GeneDx Variant Classification Process June 2021. Collection method: clinical testing. Allele origin: germline. Affected: yes.
Comment: Nonsense variant predicted to result in protein truncation [or nonsense mediated decay] in a gene for which loss of function is a known mechanism of disease; Not observed at significant frequency in large population cohorts (gnomAD); This variant is associated with the following publications: (PMID: 34169787, 31589614, 32740904, 23420520)

Fulgent Genetics
Classification: Pathogenic for Warburg micro syndrome 1; Martsolf syndrome 2. Last evaluated: 2022-02-04. Review status: criteria provided, single submitter. Criteria: ACMG Guidelines, 2015. Collection method: clinical testing. Allele origin: unknown.

Department of Genetics, Sultan Qaboos University Hospital
Classification: Pathogenic for Warburg micro syndrome 1. Last evaluated: 2017-12-30. Review status: criteria provided, single submitter. Criteria: ACMG Guidelines, 2015. Collection method: curation. Allele origin: unknown. Affected: yes.

GeneReviews
No classification provided. Condition: Warburg micro syndrome 1. Review status: no classification provided. Collection method: literature only. Allele origin: germline. Not counted in ClinVar's aggregate classification.

Literature cited by the submitters: PubMed 23420520 (cited by Ambry Genetics and Labcorp Genetics (formerly Invitae), Labcorp); PubMed 32740904 (cited by Ambry Genetics); NCBI Bookshelf NBK475670 (cited by GeneReviews); PubMed 29300443 (cited by GeneReviews).